The following is an entry in ClinVar:

ClinVar aggregate classification (germline): Benign. Review status: criteria provided, multiple submitters, no conflicts (2 of 4 stars). 9 submissions from 8 submitters: Benign (8). 1 of the submissions does not count toward it. Last evaluated 2026-02-02.

Conditions:
Familial cancer of breast. Also called: BREAST CANCER, FAMILIAL; Hereditary breast cancer; hereditary breast carcinoma. Identifiers: Orphanet 227535, MedGen C0346153, MONDO:0016419, OMIM 114480. Disease mechanism: loss of function.
Hereditary cancer-predisposing syndrome. Also called: Tumor predisposition; Hereditary Cancer Syndrome; Hereditary neoplastic syndrome; Neoplastic Syndromes, Hereditary. Identifiers: Orphanet 140162, MedGen C0027672, MeSH D009386, MONDO:0015356.
Nijmegen breakage syndrome-like disorder (NBSLD). Also called: MICROCEPHALY AND SPONTANEOUS CHROMOSOME INSTABILITY WITHOUT IMMUNODEFICIENCY; NBS-LIKE DISORDER; RAD50 DEFICIENCY. Identifiers: Orphanet 240760, MedGen C2751318, MONDO:0013118, OMIM 613078.

Allele frequency attached by ClinVar (database versions not stated): gnomAD exomes 0.00531 and 0.01243; ExAC 0.01511; 1000 Genomes Project 0.04712; gnomAD 0.04828 and 0.05209; 1000 Genomes Project 30x 0.05091; TOPMed 0.05415; ESP Exome Variant Server 0.05667.
gnomAD v4.1: 15,295 of 1,613,976 alleles (0.95%); highest among the groups gnomAD compares: African/African-American, 17%; 1,128 homozygotes.

Submissions (9):

Labcorp Genetics (formerly Invitae), Labcorp
Classification: Benign for Hereditary cancer-predisposing syndrome. Last evaluated: 2026-02-02. Review status: criteria provided, single submitter. Criteria: Invitae Variant Classification Sherloc (09022015). Collection method: clinical testing. Allele origin: germline.

GeneKor MSA
Classification: Benign for Hereditary cancer-predisposing syndrome. Last evaluated: 2025-07-10. Review status: criteria provided, single submitter. Criteria: ACMG Guidelines, 2015. Collection method: clinical testing. Allele origin: germline.

Quest Diagnostics Nichols Institute San Juan Capistrano
Classification: Benign. Last evaluated: 2025-03-20. Review status: criteria provided, single submitter. Criteria: Quest Diagnostics criteria. Collection method: clinical testing. Allele origin: unknown.

KCCC/NGS Laboratory, Kuwait Cancer Control Center
Classification: Benign for Nijmegen breakage syndrome-like disorder. Last evaluated: 2025-02-01. Review status: criteria provided, single submitter. Criteria: ACMG Guidelines, 2015. Collection method: clinical testing. Allele origin: germline. Affected: no.

KCCC/NGS Laboratory, Kuwait Cancer Control Center
Classification: Benign for Familial cancer of breast. Last evaluated: 2023-07-07. Review status: criteria provided, single submitter. Criteria: ACMG Guidelines, 2015. Collection method: clinical testing. Allele origin: germline. Affected: yes.

Women's Health and Genetics/Laboratory Corporation of America, LabCorp
Classification: Benign. Last evaluated: 2016-05-24. Review status: criteria provided, single submitter. Criteria: LabCorp Variant Classification Summary - May 2015. Collection method: clinical testing. Allele origin: germline.
Comment: Variant summary: The RAD50 c.3846T>C (p.Tyr1282Tyr) variant involves the alteration of a non-conserved nucleotide, resulting in a synonymous change. One in silico tool (MutationTaster) predicts a polymorphism outcome for this variant. This variant was found in 1833/121336 control chromosomes (146 homozygotes) at a frequency of 0.0151068, which is approximately 242 times the estimated maximal expected allele frequency of a pathogenic RAD50 variant (0.0000625), suggesting this variant is likely a benign polymorphism. It is a common polymorphism in African population with allele frequency of 16.52% (1717/10392 chromosomes) including 145 homozygotes. In addition, one clinical diagnostic laboratory classified this variant as benign. Taken together, this variant is classified as Benign.

GeneDx
Classification: Benign. Last evaluated: 2015-03-03. Review status: criteria provided, single submitter. Criteria: GeneDx Variant Classification Process June 2021. Collection method: clinical testing. Allele origin: germline. Affected: yes.

Ambry Genetics
Classification: Benign for Hereditary cancer-predisposing syndrome. Last evaluated: 2014-11-19. Review status: criteria provided, single submitter. Criteria: Ambry Variant Classification Scheme 2023. Collection method: clinical testing. Allele origin: germline.

Counsyl
Classification: Benign for Nijmegen breakage syndrome-like disorder. Last evaluated: 2016-06-03. Review status: no assertion criteria provided. Collection method: clinical testing. Allele origin: unknown. Not counted in ClinVar's aggregate classification.

NM_005732.4(RAD50):c.3846T>C (p.Tyr1282=)

Genes: TH2LCRR (T helper type 2 locus control region associated RNA; minus strand), RAD50 (RAD50 double strand break repair protein; plus strand). Cytogenetic location: 5q31.1.
Variant type: single nucleotide variant.
Coding change: c.3846T>C on transcript NM_005732.4 (MANE Select); coding-DNA position 3846, T replaced by C.
Protein change: p.Tyr1282=; no amino-acid change (tyrosine 1282 retained).
Molecular consequence: synonymous variant. On other transcripts: non-coding transcript variant (1).
Genome position (GRCh38, 1-based): chr5:132,642,271, T>C. VCF-style: chr5-132642271-T-C. GRCh37 (hg19) VCF-style: chr5-131977963-T-C.
Identifiers: ClinVar variation 183705 (VCV000183705.27), dbSNP rs1804670, ClinGen allele CA186182.